The following is an entry in ClinVar:

NM_022124.6(CDH23):c.8378G>A (p.Arg2793Gln)

Gene: CDH23 (cadherin related 23; plus strand). Cytogenetic location: 10q22.1.
Variant type: single nucleotide variant.
Coding change: c.8378G>A on transcript NM_022124.6 (MANE Select); coding-DNA position 8378, G replaced by A.
Protein change: p.Arg2793Gln; replaces arginine 2793 with glutamine.
Molecular consequence: missense variant.
Genome position (GRCh38, 1-based): chr10:71,807,585, G>A. VCF-style: chr10-71807585-G-A. GRCh37 (hg19) VCF-style: chr10-73567342-G-A.
Other names: c.1658G>A, p.Arg553Gln (NM_001171933.1, NM_001171934.1); short protein forms R2793Q, R553Q.
Identifiers: ClinVar variation 522663 (VCV000522663.7), dbSNP rs547034667, ClinGen allele CA5546637.

ClinVar aggregate classification (germline): Conflicting classifications of pathogenicity. Review status: criteria provided, conflicting classifications (1 of 4 stars). 3 submissions from 3 submitters: Likely pathogenic (2); Uncertain significance (1). Last evaluated 2024-06-25.

Conditions:
Autosomal recessive nonsyndromic hearing loss 12. Also called: DEAFNESS, AUTOSOMAL RECESSIVE 12. Identifiers: Orphanet 90636, MedGen C1832394, MONDO:0011067, OMIM 601386.
Pituitary adenoma 5, multiple types. Identifiers: MedGen C4539685, MONDO:0054601, OMIM 617540.
Usher syndrome type 1D (USH1D). Also called: USHER SYNDROME, TYPE ID. Identifiers: Orphanet 231169, Orphanet 886, MedGen C1832845, MONDO:0010984, OMIM 601067.

Allele frequency attached by ClinVar (database versions not stated): gnomAD 0.00002 and 0.00003; gnomAD exomes 0.00002 and 0.00004; ExAC 0.00003; TOPMed 0.00003; 1000 Genomes Project 0.00020; 1000 Genomes Project 30x 0.00031.
gnomAD v4.1: 29 of 1,613,968 alleles (0.0018%); highest among the groups gnomAD compares: Admixed American, 0.01%; no homozygotes.

Submissions (3):

Fulgent Genetics
Classification: Likely pathogenic for Usher syndrome type 1D; Autosomal recessive nonsyndromic hearing loss 12; Pituitary adenoma 5, multiple types. Last evaluated: 2024-06-25. Review status: criteria provided, single submitter. Criteria: ACMG Guidelines, 2015. Collection method: clinical testing. Allele origin: germline.

Labcorp Genetics (formerly Invitae), Labcorp
Classification: Uncertain significance. Last evaluated: 2022-06-30. Review status: criteria provided, single submitter. Criteria: Invitae Variant Classification Sherloc (09022015). Collection method: clinical testing. Allele origin: germline.
Comment: This sequence change replaces arginine, which is basic and polar, with glutamine, which is neutral and polar, at codon 2793 of the CDH23 protein (p.Arg2793Gln). This variant is present in population databases (rs547034667, gnomAD 0.02%). This variant has not been reported in the literature in individuals affected with CDH23-related conditions. ClinVar contains an entry for this variant (Variation ID: 522663). Algorithms developed to predict the effect of missense changes on protein structure and function are either unavailable or do not agree on the potential impact of this missense change (SIFT: "Deleterious"; PolyPhen-2: "Not Available"; Align-GVGD: "Class C0"). Algorithms developed to predict the effect of sequence changes on RNA splicing suggest that this variant may create or strengthen a splice site. In summary, the available evidence is currently insufficient to determine the role of this variant in disease. Therefore, it has been classified as a Variant of Uncertain Significance.

Genomic Research Center, Shahid Beheshti University of Medical Sciences
Classification: Likely pathogenic for Usher syndrome type 1D. Last evaluated: 2017-12-03. Review status: criteria provided, single submitter. Criteria: ACMG Guidelines, 2015. Collection method: clinical testing. Allele origin: inherited. Affected: yes.